The following is an entry in ClinVar:

NM_002336.3(LRP6):c.1073A>G (p.Asp358Gly)

Gene: LRP6 (LDL receptor related protein 6; minus strand). Cytogenetic location: 12p13.2.
Variant type: single nucleotide variant.
Coding change: c.1073A>G on transcript NM_002336.3 (MANE Select); coding-DNA position 1073, A replaced by G.
Protein change: p.Asp358Gly; replaces aspartic acid 358 with glycine.
Molecular consequence: missense variant. On other transcripts: non-coding transcript variant (1).
Genome position (GRCh38, 1-based): chr12:12,181,343, T>C on the plus strand (A>G on the coding strand, the complement: LRP6 is on the minus strand). VCF-style: chr12-12181343-T-C. GRCh37 (hg19) VCF-style: chr12-12334277-T-C.
Other names: c.1073A>G, p.Asp358Gly (NM_001414244.1, NM_001414245.1, NM_001414246.1 and 5 more transcripts); c.875A>G, p.Asp292Gly (NM_001414247.1); c.620A>G, p.Asp207Gly (NM_001414252.1, NM_001414253.1, NM_001414254.1); short protein forms D358G, D207G, D292G.
Identifiers: ClinVar variation 4742730 (VCV004742730.1).

ClinVar aggregate classification (germline): Uncertain significance (1 of 4 stars; one submission).

Submission:

Labcorp Genetics (formerly Invitae), Labcorp
Classification: Uncertain significance. Last evaluated: 2025-10-18. Review status: criteria provided, single submitter. Criteria: Invitae Variant Classification Sherloc (09022015). Collection method: clinical testing. Allele origin: germline.
Comment: This sequence change replaces aspartic acid, which is acidic and polar, with glycine, which is neutral and non-polar, at codon 358 of the LRP6 protein (p.Asp358Gly). This variant is not present in population databases (gnomAD no frequency). This variant has not been reported in the literature in individuals affected with LRP6-related conditions. Invitae Evidence Modeling of protein sequence and biophysical properties (such as structural, functional, and spatial information, amino acid conservation, physicochemical variation, residue mobility, and thermodynamic stability) indicates that this missense variant is not expected to disrupt LRP6 protein function with a negative predictive value of 80%. In summary, the available evidence is currently insufficient to determine the role of this variant in disease. Therefore, it has been classified as a Variant of Uncertain Significance.